The following is an entry in ClinVar:

NM_020921.4(NIN):c.3754T>G (p.Tyr1252Asp)

Gene: NIN (ninein; minus strand). Cytogenetic location: 14q22.1.
Variant type: single nucleotide variant.
Coding change: c.3754T>G on transcript NM_020921.4 (MANE Select); coding-DNA position 3754, T replaced by G.
Protein change: p.Tyr1252Asp; replaces tyrosine 1252 with aspartic acid.
Molecular consequence: missense variant. On other transcripts: intron variant (1).
Genome position (GRCh38, 1-based): chr14:50,757,276, A>C on the plus strand (T>G on the coding strand, the complement: NIN is on the minus strand). VCF-style: chr14-50757276-A-C. GRCh37 (hg19) VCF-style: chr14-51223994-A-C.
Other names: c.3754T>G, p.Tyr1252Asp (NM_182944.3, NM_182946.2); c.2400-2409T>G (NM_016350.5); short protein forms Y1252D.
Identifiers: ClinVar variation 3694705 (VCV003694705.2).
Genomic context (GRCh38, chr14:50,757,276, plus strand): 5'-GTGTCTCCATCATTCTCAGCTCTTCCTGAAGGCAGTCATTTTCTCGGCTCACATCTTCAT[A>C]CAACAGCTTATATTTGGGAGAAGCCTCAGGGATTCTCTCAAGCATCTTCAGTTTCTTTTT-3'
Protein context (NP_065972.4, residues 1242-1262): PEASPKYKLL[Tyr1252Asp]EDVSRENDCL

ClinVar aggregate classification (germline): Uncertain significance (1 of 4 stars; one submission).

gnomAD v4.1: 2 of 1,614,058 alleles (0.00012%); highest among the groups gnomAD compares: Non-Finnish European, 0.000085%; no homozygotes.

Submission:

Labcorp Genetics (formerly Invitae), Labcorp
Classification: Uncertain significance. Last evaluated: 2025-08-04. Review status: criteria provided, single submitter. Criteria: Invitae Variant Classification Sherloc (09022015). Collection method: clinical testing. Allele origin: germline.
Comment: This sequence change replaces tyrosine, which is neutral and polar, with aspartic acid, which is acidic and polar, at codon 1252 of the NIN protein (p.Tyr1252Asp). This variant is not present in population databases (gnomAD no frequency). This variant has not been reported in the literature in individuals affected with NIN-related conditions. ClinVar contains an entry for this variant (Variation ID: 3694705). An algorithm developed to predict the effect of missense changes on protein structure and function (PolyPhen-2) suggests that this variant is likely to be disruptive. In summary, the available evidence is currently insufficient to determine the role of this variant in disease. Therefore, it has been classified as a Variant of Uncertain Significance.